The following is an entry in ClinVar:

NM_001903.5(CTNNA1):c.237dup (p.Ala80fs)

Gene: CTNNA1 (catenin alpha 1; plus strand). Cytogenetic location: 5q31.2.
Variant type: Duplication.
Coding change: c.237dup on transcript NM_001903.5 (MANE Select); coding-DNA position 237, one base duplicated (T; older notation c.237dupT).
Protein change: p.Ala80fs; shifts the reading frame from alanine 80.
Molecular consequence: frameshift variant. On other transcripts: intron variant (2).
Genome position (GRCh38, 1-based): chr5:138,783,308, T duplicated; the last of 2 consecutive T bases (chr5:138,783,307-138,783,308); duplicating either gives the same sequence. VCF-style (leftmost placement, unchanged base first): chr5-138783306-A-AT. GRCh37 (hg19) VCF-style: chr5-138118995-A-AT.
Other names: c.237dup, p.Ala80fs (NM_001290307.3, NM_001323982.2, NM_001323983.1 and 3 more transcripts); c.-6+36dup (NM_001290310.3); c.-9+1279dup (NM_001290309.3); short protein forms A80fs.
Identifiers: ClinVar variation 3498207 (VCV003498207.4).

ClinVar aggregate classification (germline): Pathogenic. Review status: criteria provided, multiple submitters, no conflicts (2 of 4 stars). 2 submissions from 2 submitters: Pathogenic (2). Last evaluated 2025-07-14.

Conditions:
Hereditary cancer-predisposing syndrome. Also called: Tumor predisposition; Neoplastic Syndromes, Hereditary; Hereditary Cancer Syndrome; Hereditary neoplastic syndrome. Identifiers: Orphanet 140162, MedGen C0027672, MeSH D009386, MONDO:0015356.

Submissions (2):

Ambry Genetics
Classification: Pathogenic for Hereditary cancer-predisposing syndrome. Last evaluated: 2025-07-14. Review status: criteria provided, single submitter. Criteria: Ambry Variant Classification Scheme 2023. Collection method: clinical testing. Allele origin: germline.
Comment: The c.237dupT pathogenic mutation, located in coding exon 2 of the CTNNA1 gene, results from a duplication of T at nucleotide position 237, causing a translational frameshift with a predicted alternate stop codon (p.A80Cfs*23). This variant is considered to be rare based on population cohorts in the Genome Aggregation Database (gnomAD). This alteration is expected to result in loss of function by premature protein truncation or nonsense-mediated mRNA decay. As such, this alteration is interpreted as a disease-causing mutation.

Labcorp Genetics (formerly Invitae), Labcorp
Classification: Pathogenic. Last evaluated: 2024-08-29. Review status: criteria provided, single submitter. Criteria: Invitae Variant Classification Sherloc (09022015). Collection method: clinical testing. Allele origin: germline.
Comment: This sequence change creates a premature translational stop signal (p.Ala80Cysfs*23) in the CTNNA1 gene. It is expected to result in an absent or disrupted protein product. Loss-of-function variants in CTNNA1 are known to be pathogenic (PMID: 32051609, 34425242). This variant is not present in population databases (gnomAD no frequency). This variant has not been reported in the literature in individuals affected with CTNNA1-related conditions. For these reasons, this variant has been classified as Pathogenic.

Literature cited by the submitters: PubMed 32051609 (cited by Labcorp Genetics (formerly Invitae), Labcorp); PubMed 34425242 (cited by Labcorp Genetics (formerly Invitae), Labcorp).